The following is an entry in ClinVar:

ClinVar aggregate classification (germline): Uncertain significance (1 of 4 stars; one submission).

Conditions:
Glycogen storage disease IXd (GSD9D). Also called: Muscle Phosphorylase Kinase Deficiency; GSD IXd. Identifiers: Orphanet 715, MedGen C1845151, MONDO:0010362, OMIM 300559.

Submission:

Labcorp Genetics (formerly Invitae), Labcorp
Classification: Uncertain significance for Glycogen storage disease IXd. Last evaluated: 2023-03-31. Review status: criteria provided, single submitter. Criteria: Invitae Variant Classification Sherloc (09022015). Collection method: clinical testing. Allele origin: unknown.
Comment: In summary, the available evidence is currently insufficient to determine the role of this variant in disease. Therefore, it has been classified as a Variant of Uncertain Significance. Experimental studies and prediction algorithms are not available or were not evaluated, and the functional significance of this variant is currently unknown. This variant has not been reported in the literature in individuals affected with PHKA1-related conditions. This variant results in a copy number gain of the genomic region encompassing exon(s) 1-14 of the PHKA1 gene. This region includes the initiator codon of the gene. This copy number gain extends beyond the assayed region for this gene and therefore may encompass additional genes. As the precise location of this event is unknown, it may be in tandem or it may be located elsewhere in the genome.

NC_000023.10:g.(?_71864192)_(71933728_?)dup

Gene: PHKA1 (phosphorylase kinase regulatory subunit alpha 1; minus strand). Cytogenetic location: Xq13.2.
Variant type: Duplication.
Identifiers: ClinVar variation 3244651 (VCV003244651.1).